The following is an entry in ClinVar:

NM_014049.5(ACAD9):c.1345A>G (p.Thr449Ala)

Gene: ACAD9 (acyl-CoA dehydrogenase family member 9; plus strand). Cytogenetic location: 3q21.3.
Variant type: single nucleotide variant.
Coding change: c.1345A>G on transcript NM_014049.5 (MANE Select); coding-DNA position 1345, A replaced by G.
Protein change: p.Thr449Ala; replaces threonine 449 with alanine.
Molecular consequence: missense variant. On other transcripts: non-coding transcript variant (1).
Genome position (GRCh38, 1-based): chr3:128,908,251, A>G. VCF-style: chr3-128908251-A-G. GRCh37 (hg19) VCF-style: chr3-128627094-A-G.
Other names: short protein forms T449A.
Identifiers: ClinVar variation 1327807 (VCV001327807.2), dbSNP rs1451444183, ClinGen allele CA354438079.
Genomic context (GRCh38, chr3:128,908,251, plus strand): 5'-AATGAGATTCTCCGGATGTACATCGCCCTGACGGGTCTGCAGCATGCCGGCCGCATCCTG[A>G]CTACCAGGATCCAGTAGGTGCCATTGTCACCGTGTGCTTCTCAGGTCCCATACCTGCCCA-3'
Protein context (NP_054768.2, residues 439-459): TGLQHAGRIL[Thr449Ala]TRIHELKQAK

ClinVar aggregate classification (germline): Uncertain significance (1 of 4 stars; one submission).

Allele frequency attached by ClinVar (database versions not stated): TOPMed below 0.00001; gnomAD 0.00001.
gnomAD v4.1: 2 of 1,613,992 alleles (0.00012%); highest among the groups gnomAD compares: Admixed American, 0.0033%; no homozygotes.

Submission:

GeneDx
Classification: Uncertain significance. Last evaluated: 2021-06-07. Review status: criteria provided, single submitter. Criteria: GeneDx Variant Classification Process June 2021. Collection method: clinical testing. Allele origin: germline. Affected: yes.
Comment: Has not been previously published as pathogenic or benign to our knowledge; Not observed at significant frequency in large population cohorts (Lek et al., 2016); In silico analysis supports that this missense variant does not alter protein structure/function; This variant is associated with the following publications: (PMID: 27535533)